The following is an entry in ClinVar:

NM_006129.5(BMP1):c.2712C>T (p.Leu904=)

Gene: BMP1 (bone morphogenetic protein 1; plus strand). Cytogenetic location: 8p21.3.
Variant type: single nucleotide variant.
Coding change: c.2712C>T on transcript NM_006129.5 (MANE Select); coding-DNA position 2712, C replaced by T.
Protein change: p.Leu904=; no amino-acid change (leucine 904 retained).
Molecular consequence: synonymous variant. On other transcripts: non-coding transcript variant (1).
Genome position (GRCh38, 1-based): chr8:22,209,581, C>T. VCF-style: chr8-22209581-C-T. GRCh37 (hg19) VCF-style: chr8-22067094-C-T.
Other names: c.2712C>T (NM_006129.4).
Identifiers: ClinVar variation 1637967 (VCV001637967.10), dbSNP rs1476177459, ClinGen allele CA460171333.

ClinVar aggregate classification (germline): Likely benign. Review status: criteria provided, single submitter (1 of 4 stars). 2 submissions from 2 submitters: Likely benign (1). 1 of the submissions does not count toward it. Last evaluated 2025-07-30.

Conditions:
BMP1-related disorder. Also called: BMP1-related condition.

Allele frequency attached by ClinVar (database versions not stated): TOPMed below 0.00001.
gnomAD v4.1: 2 of 1,614,190 alleles (0.00012%); highest among the groups gnomAD compares: Admixed American, 0.0033%; no homozygotes.

Submissions (2):

Labcorp Genetics (formerly Invitae), Labcorp
Classification: Likely benign. Last evaluated: 2025-07-30. Review status: criteria provided, single submitter. Criteria: Invitae Variant Classification Sherloc (09022015). Collection method: clinical testing. Allele origin: germline.

PreventionGenetics, part of Exact Sciences
Classification: Likely benign for BMP1-related condition. Last evaluated: 2020-09-22. Review status: no assertion criteria provided. Collection method: clinical testing. Allele origin: germline. Not counted in ClinVar's aggregate classification.
Comment: This variant is classified as likely benign based on ACMG/AMP sequence variant interpretation guidelines (Richards et al. 2015 PMID: 25741868, with internal and published modifications).